The following is an entry in ClinVar:

NM_152722.5(HEPACAM):c.877+134G>A

Gene: HEPACAM (hepatic and glial cell adhesion molecule; minus strand). Cytogenetic location: 11q24.2.
Variant type: single nucleotide variant.
Coding change: c.877+134G>A on transcript NM_152722.5 (MANE Select); 134 bases into the intron after coding-DNA position 877, G replaced by A.
Molecular consequence: intron variant. On other transcripts: synonymous variant (1).
Genome position (GRCh38, 1-based): chr11:124,922,611, C>T on the plus strand (G>A on the coding strand, the complement: HEPACAM is on the minus strand). VCF-style: chr11-124922611-C-T. GRCh37 (hg19) VCF-style: chr11-124792507-C-T.
Other names: c.1011G>A, p.Gln337= (NM_001411043.1).
Identifiers: ClinVar variation 3234226 (VCV003234226.20), dbSNP rs746394666, ClinGen allele CA6345596.
Genomic context (GRCh38, chr11:124,922,611, plus strand): 5'-CAACCTCCACCAACATATCTGAATATCCTGGCTCCTACCTTGGCCAAACCTTTCCCTCCT[C>T]TGCAGTCTTCGTGCAGTTGGTGGGGGAAGGGTCCCTGCAGAGCTGTTTTCCTTGTCGCCC-3'

ClinVar aggregate classification (germline): Likely benign (1 of 4 stars; one submission).

Allele frequency attached by ClinVar (database versions not stated): gnomAD exomes 0.00003; ExAC 0.00004; gnomAD 0.00035.
gnomAD v4.1: 104 of 1,611,346 alleles (0.0065%); highest among the groups gnomAD compares: African/African-American, 0.12%; 1 homozygote.

Submission:

CeGaT Center for Human Genetics Tuebingen
Classification: Likely benign. Last evaluated: 2024-04-01. Review status: criteria provided, single submitter. Criteria: CeGaT Center For Human Genetics Tuebingen Variant Classification Criteria Version 2. Collection method: clinical testing. Allele origin: germline. Affected: yes. Observed: 1 variant allele.
Comment: HEPACAM: BP4, BP7